The following is an entry in ClinVar:

ClinVar aggregate classification (germline): Uncertain significance. Review status: criteria provided, multiple submitters, no conflicts (2 of 4 stars). 2 submissions from 2 submitters: Uncertain significance (2). Last evaluated 2023-03-27.

Conditions:
Bethlem myopathy 2 (BTHLM2). Identifiers: Orphanet 536516, Orphanet 610, MedGen C4225313, MONDO:0034022, OMIM 616471.
Ullrich congenital muscular dystrophy 2 (UCMD2). Identifiers: Orphanet 75840, MedGen C4225314, MONDO:0014654, OMIM 616470.

Allele frequency attached by ClinVar (database versions not stated): gnomAD 0.00001; gnomAD exomes 0.00001; TOPMed 0.00001.
gnomAD v4.1: 16 of 1,614,070 alleles (0.00099%); highest among the groups gnomAD compares: Non-Finnish European, 0.0011%; no homozygotes.

Submissions (2):

Labcorp Genetics (formerly Invitae), Labcorp
Classification: Uncertain significance for Bethlem myopathy 2; Ullrich congenital muscular dystrophy 2. Last evaluated: 2023-03-27. Review status: criteria provided, single submitter. Criteria: Invitae Variant Classification Sherloc (09022015). Collection method: clinical testing. Allele origin: germline.
Comment: In summary, the available evidence is currently insufficient to determine the role of this variant in disease. Therefore, it has been classified as a Variant of Uncertain Significance. Advanced modeling of protein sequence and biophysical properties (such as structural, functional, and spatial information, amino acid conservation, physicochemical variation, residue mobility, and thermodynamic stability) performed at Invitae indicates that this missense variant is not expected to disrupt COL12A1 protein function. ClinVar contains an entry for this variant (Variation ID: 2440204). This variant has not been reported in the literature in individuals affected with COL12A1-related conditions. This variant is not present in population databases (gnomAD no frequency). This sequence change replaces glycine, which is neutral and non-polar, with arginine, which is basic and polar, at codon 536 of the COL12A1 protein (p.Gly536Arg).

Revvity Omics, Revvity
Classification: Uncertain significance. Last evaluated: 2020-02-21. Review status: criteria provided, single submitter. Criteria: ACMG Guidelines, 2015. Collection method: clinical testing. Allele origin: germline.

NM_004370.6(COL12A1):c.1606G>A (p.Gly536Arg)

Gene: COL12A1 (collagen type XII alpha 1 chain; minus strand). Cytogenetic location: 6q13.
Variant type: single nucleotide variant.
Coding change: c.1606G>A on transcript NM_004370.6 (MANE Select); coding-DNA position 1606, G replaced by A.
Protein change: p.Gly536Arg; replaces glycine 536 with arginine.
Molecular consequence: missense variant. On other transcripts: intron variant (1).
Genome position (GRCh38, 1-based): chr6:75,183,335, C>T on the plus strand (G>A on the coding strand, the complement: COL12A1 is on the minus strand). VCF-style: chr6-75183335-C-T. GRCh37 (hg19) VCF-style: chr6-75893051-C-T.
Other names: c.73+19385G>A (NM_080645.3); short protein forms G536R.
Identifiers: ClinVar variation 2440204 (VCV002440204.6), dbSNP rs1028351058, ClinGen allele CA141029606.